The following is an entry in ClinVar:

NM_016333.4(SRRM2):c.8065C>G (p.Arg2689Gly)

Gene: SRRM2 (serine/arginine repetitive matrix 2; plus strand). Cytogenetic location: 16p13.3.
Variant type: single nucleotide variant.
Coding change: c.8065C>G on transcript NM_016333.4 (MANE Select); coding-DNA position 8065, C replaced by G.
Protein change: p.Arg2689Gly; replaces arginine 2689 with glycine.
Molecular consequence: missense variant.
Genome position (GRCh38, 1-based): chr16:2,770,395, C>G. VCF-style: chr16-2770395-C-G. GRCh37 (hg19) VCF-style: chr16-2820396-C-G.
Other names: short protein forms R2689G.
Identifiers: ClinVar variation 4976600 (VCV004976600.1).
Genomic context (GRCh38, chr16:2,770,395, plus strand): 5'-CCTACTGTGTTCCCCAGGTCCCGCAGCCCCCGGAAGCCAATAGACTCCCTCAGGGACTCT[C>G]GGTCCCTCAGCTACTCGCCTGTGGAGCGTCGCCGTCCCTCGCCCCAGCCCTCACCACGGG-3'
Protein context (NP_057417.3, residues 2679-2699): RKPIDSLRDS[Arg2689Gly]SLSYSPVERR

ClinVar aggregate classification (germline): Uncertain significance (1 of 4 stars; one submission).

Submission:

GeneDx
Classification: Uncertain significance. Last evaluated: 2026-02-10. Review status: criteria provided, single submitter. Criteria: GeneDx Variant Classification Process June 2021. Collection method: clinical testing. Allele origin: germline.
Comment: Not observed at significant frequency in large population cohorts (gnomAD); In silico analysis suggests that this missense variant does not alter protein structure/function; Has not been previously published as pathogenic or benign to our knowledge